The following is an entry in ClinVar:

NM_002637.4(PHKA1):c.1123_1124del (p.Val375fs)

Gene: PHKA1 (phosphorylase kinase regulatory subunit alpha 1; minus strand). Cytogenetic location: Xq13.1.
Variant type: Microsatellite.
Coding change: c.1123_1124del on transcript NM_002637.4 (MANE Select); coding-DNA positions 1123 to 1124, 2 bases deleted (GT; older notation c.1123_1124delGT).
Protein change: p.Val375fs; shifts the reading frame from valine 375.
Molecular consequence: frameshift variant.
Genome position (GRCh38, 1-based): chrX:72,653,448-72,653,449, AC deleted on the plus strand (GT on the coding strand, the reverse complement: PHKA1 is on the minus strand); deleting any 2 consecutive bases within chrX:72,653,448-72,653,451 gives the same sequence; the c. name uses the placement nearest the transcript's 3' end. VCF-style (leftmost placement, unchanged base first): chrX-72653447-AAC-A. GRCh37 (hg19) VCF-style: chrX-71873297-AAC-A.
Other names: c.1123_1124del, p.Val375fs (NM_001122670.2, NM_001172436.2, NM_001431068.1); short protein forms V375fs.
Identifiers: ClinVar variation 3726560 (VCV003726560.2).

ClinVar aggregate classification (germline): Pathogenic (1 of 4 stars; one submission).

Conditions:
Glycogen storage disease IXd (GSD9D). Also called: Muscle Phosphorylase Kinase Deficiency; GSD IXd. Identifiers: Orphanet 715, MedGen C1845151, MONDO:0010362, OMIM 300559.

Submission:

Labcorp Genetics (formerly Invitae), Labcorp
Classification: Pathogenic for Glycogen storage disease IXd. Last evaluated: 2024-12-03. Review status: criteria provided, single submitter. Criteria: Invitae Variant Classification Sherloc (09022015). Collection method: clinical testing. Allele origin: germline.
Comment: This sequence change creates a premature translational stop signal (p.Val375Serfs*3) in the PHKA1 gene. It is expected to result in an absent or disrupted protein product. Loss-of-function variants in PHKA1 are known to be pathogenic (PMID: 9731190, 15637709). This variant is not present in population databases (gnomAD no frequency). This variant has not been reported in the literature in individuals affected with PHKA1-related conditions. For these reasons, this variant has been classified as Pathogenic.

Literature cited by the submitters: PubMed 9731190; PubMed 15637709.